The following is an entry in ClinVar:

NM_003070.5(SMARCA2):c.2580C>G (p.His860Gln)

Gene: SMARCA2 (SWI/SNF related BAF chromatin remodeling complex subunit ATPase 2; plus strand). Cytogenetic location: 9p24.3.
Variant type: single nucleotide variant.
Coding change: c.2580C>G on transcript NM_003070.5 (MANE Select); coding-DNA position 2580, C replaced by G.
Protein change: p.His860Gln; replaces histidine 860 with glutamine.
Molecular consequence: missense variant.
Genome position (GRCh38, 1-based): chr9:2,086,882, C>G. VCF-style: chr9-2086882-C-G. GRCh37 (hg19) VCF-style: chr9-2086882-C-G.
Other names: c.2580C>G, p.His860Gln (NM_001289396.2, NM_001289397.2, NM_139045.4); short protein forms H860Q.
Identifiers: ClinVar variation 4170123 (VCV004170123.2).
Genomic context (GRCh38, chr9:2,086,882, plus strand): 5'-GTTATAGATTCGGTGGAAATACATGATAGTGGACGAAGGCCACCGAATGAAGAATCACCA[C>G]TGCAAGCTGACTCAGGTCTTGAACACTCACTATGTGGCCCCCAGAAGGATCCTCTTGACT-3'
Protein context (NP_003061.3, residues 850-870): VDEGHRMKNH[His860Gln]CKLTQVLNTH

ClinVar aggregate classification (germline): Uncertain significance (1 of 4 stars; one submission).

Conditions:
Inborn genetic diseases. Identifiers: MedGen C0950123, MeSH D030342.

Submission:

Ambry Genetics
Classification: Uncertain significance for Inborn genetic diseases. Last evaluated: 2025-10-14. Review status: criteria provided, single submitter. Criteria: Ambry Variant Classification Scheme 2023. Collection method: clinical testing. Allele origin: germline.
Comment: The c.2580C>G (p.H860Q) alteration is located in exon 18 (coding exon 17) of the SMARCA2 gene. This alteration results from a C to G substitution at nucleotide position 2580, causing the histidine (H) at amino acid position 860 to be replaced by a glutamine (Q). This variant was not reported in population-based cohorts in the Genome Aggregation Database (gnomAD). This amino acid position is highly conserved in available vertebrate species. The in silico prediction for this alteration is inconclusive. Based on insufficient or conflicting evidence, the clinical significance of this alteration remains unclear.